The following is an entry in ClinVar:

NM_014491.4(FOXP2):c.1007C>T (p.Thr336Ile)

Gene: FOXP2 (forkhead box P2; plus strand). Cytogenetic location: 7q31.1.
Variant type: single nucleotide variant.
Coding change: c.1007C>T on transcript NM_014491.4 (MANE Select); coding-DNA position 1007, C replaced by T.
Protein change: p.Thr336Ile; replaces threonine 336 with isoleucine.
Molecular consequence: missense variant. On other transcripts: non-coding transcript variant (2).
Genome position (GRCh38, 1-based): chr7:114,644,702, C>T. VCF-style: chr7-114644702-C-T. GRCh37 (hg19) VCF-style: chr7-114284757-C-T.
Other names: c.1004C>T, p.Thr335Ile (NM_001172766.3); c.1082C>T, p.Thr361Ile (NM_001172767.2, NM_148898.4); c.1007C>T, p.Thr336Ile (NM_148899.3); c.1058C>T, p.Thr353Ile (NM_148900.4); short protein forms T335I, T336I, T353I, T361I.
Identifiers: ClinVar variation 1191070 (VCV001191070.2), dbSNP rs945804979, ClinGen allele CA164870850.

ClinVar aggregate classification (germline): Uncertain significance (1 of 4 stars; one submission).

Allele frequency attached by ClinVar (database versions not stated): gnomAD exomes below 0.00001.
gnomAD v4.1: 7 of 1,613,704 alleles (0.00043%); highest among the groups gnomAD compares: Admixed American, 0.012%; no homozygotes.

Submission:

GeneDx
Classification: Uncertain significance. Last evaluated: 2019-11-05. Review status: criteria provided, single submitter. Criteria: GeneDx Variant Classification Process June 2021. Collection method: clinical testing. Allele origin: germline. Affected: yes.
Comment: Not observed in large population cohorts (Lek et al., 2016); In silico analysis, which includes protein predictors and evolutionary conservation, supports a deleterious effect; Has not been previously published as pathogenic or benign to our knowledge